The following is an entry in ClinVar:

ClinVar aggregate classification (germline): Uncertain significance. Review status: criteria provided, multiple submitters, no conflicts (2 of 4 stars). 2 submissions from 2 submitters: Uncertain significance (2). Last evaluated 2025-01-20.

Conditions:
Baller-Gerold syndrome (BGS). Also called: CRANIOSYNOSTOSIS WITH RADIAL DEFECTS. Identifiers: Orphanet 1225, MedGen C0265308, MONDO:0009039, OMIM 218600.
Inborn genetic diseases. Identifiers: MedGen C0950123, MeSH D030342.

Allele frequency attached by ClinVar (database versions not stated): gnomAD exomes below 0.00001.

Submissions (2):

Ambry Genetics
Classification: Uncertain significance for Inborn genetic diseases. Last evaluated: 2025-01-20. Review status: criteria provided, single submitter. Criteria: Ambry Variant Classification Scheme 2023. Collection method: clinical testing. Allele origin: germline.
Comment: The p.P545L variant (also known as c.1634C>T), located in coding exon 10 of the RECQL4 gene, results from a C to T substitution at nucleotide position 1634. The proline at codon 545 is replaced by leucine, an amino acid with similar properties. This amino acid position is conserved. In addition, the in silico prediction for this alteration is inconclusive. Based on the available evidence, the clinical significance of this variant remains unclear.

Labcorp Genetics (formerly Invitae), Labcorp
Classification: Uncertain significance for Baller-Gerold syndrome. Last evaluated: 2024-07-08. Review status: criteria provided, single submitter. Criteria: Invitae Variant Classification Sherloc (09022015). Collection method: clinical testing. Allele origin: germline.
Comment: This sequence change replaces proline, which is neutral and non-polar, with leucine, which is neutral and non-polar, at codon 545 of the RECQL4 protein (p.Pro545Leu). This variant is not present in population databases (gnomAD no frequency). This variant has not been reported in the literature in individuals affected with RECQL4-related conditions. ClinVar contains an entry for this variant (Variation ID: 1467768). Advanced modeling of protein sequence and biophysical properties (such as structural, functional, and spatial information, amino acid conservation, physicochemical variation, residue mobility, and thermodynamic stability) performed at Invitae indicates that this missense variant is expected to disrupt RECQL4 protein function with a positive predictive value of 80%. In summary, the available evidence is currently insufficient to determine the role of this variant in disease. Therefore, it has been classified as a Variant of Uncertain Significance.

NM_004260.4(RECQL4):c.1634C>T (p.Pro545Leu)

Gene: RECQL4 (RecQ like helicase 4; minus strand). Cytogenetic location: 8q24.3.
Variant type: single nucleotide variant.
Coding change: c.1634C>T on transcript NM_004260.4 (MANE Select); coding-DNA position 1634, C replaced by T.
Protein change: p.Pro545Leu; replaces proline 545 with leucine.
Molecular consequence: missense variant.
Genome position (GRCh38, 1-based): chr8:144,514,512, G>A on the plus strand (C>T on the coding strand, the complement: RECQL4 is on the minus strand). VCF-style: chr8-144514512-G-A. GRCh37 (hg19) VCF-style: chr8-145739896-G-A.
Other names: c.1634C>T (NM_004260.3); short protein forms P545L.
Identifiers: ClinVar variation 1467768 (VCV001467768.7), dbSNP rs2130698914, ClinGen allele CA372683086.
Genomic context (GRCh38, chr8:144,514,512, plus strand): 5'-ACAGATTCCCGTTGCTTCCTGGTCATGCCCGAGTGTATGCAGGCCGCCTTGAGACACGGT[G>A]GCAGGCCAGACACCTGCAAATGCAGGAGCGACAGCCGTCATACGCCAGCCCAGCCCTGGC-3'
Protein context (NP_004251.4, residues 535-555): SLMDDQVSGL[Pro545Leu]PCLKAACIHS